The following is an entry in ClinVar:

NM_033118.4(MYLK2):c.872T>C (p.Leu291Pro)

Gene: MYLK2 (myosin light chain kinase 2; plus strand). Cytogenetic location: 20q11.21.
Variant type: single nucleotide variant.
Coding change: c.872T>C on transcript NM_033118.4 (MANE Select); coding-DNA position 872, T replaced by C.
Protein change: p.Leu291Pro; replaces leucine 291 with proline.
Molecular consequence: missense variant.
Genome position (GRCh38, 1-based): chr20:31,823,576, T>C. VCF-style: chr20-31823576-T-C. GRCh37 (hg19) VCF-style: chr20-30411379-T-C.
Other names: short protein forms L291P.
Identifiers: ClinVar variation 3018867 (VCV003018867.3), dbSNP rs2062262745, ClinGen allele CA408526568.

ClinVar aggregate classification (germline): Uncertain significance (1 of 4 stars; one submission).

Conditions:
Hypertrophic cardiomyopathy 1 (CMH1). Also called: Familial hypertrophic cardiomyopathy 1; MYH7-Related Familial Hypertrophic Cardiomyopathy. Identifiers: MedGen C3495498, MONDO:0008647, OMIM 192600.

Allele frequency attached by ClinVar (database versions not stated): gnomAD exomes below 0.00001; TOPMed below 0.00001.
gnomAD v4.1: 1 of 1,613,794 alleles (0.000062%); highest among the groups gnomAD compares: Admixed American, 0.0017%; no homozygotes.

Submission:

Labcorp Genetics (formerly Invitae), Labcorp
Classification: Uncertain significance for Hypertrophic cardiomyopathy 1. Last evaluated: 2023-12-21. Review status: criteria provided, single submitter. Criteria: Invitae Variant Classification Sherloc (09022015). Collection method: clinical testing. Allele origin: germline.
Comment: This sequence change replaces leucine, which is neutral and non-polar, with proline, which is neutral and non-polar, at codon 291 of the MYLK2 protein (p.Leu291Pro). This variant is not present in population databases (gnomAD no frequency). This variant has not been reported in the literature in individuals affected with MYLK2-related conditions. Advanced modeling of protein sequence and biophysical properties (such as structural, functional, and spatial information, amino acid conservation, physicochemical variation, residue mobility, and thermodynamic stability) performed at Invitae indicates that this missense variant is expected to disrupt MYLK2 protein function with a positive predictive value of 80%. In summary, the available evidence is currently insufficient to determine the role of this variant in disease. Therefore, it has been classified as a Variant of Uncertain Significance.